The following is an entry in ClinVar:

ClinVar aggregate classification (germline): Uncertain significance (1 of 4 stars; one submission).

gnomAD v4.1: 2 of 1,209,239 alleles (0.00017%); highest among the groups gnomAD compares: Admixed American, 0.0022%; no homozygotes.

Submission:

GeneDx
Classification: Uncertain significance. Last evaluated: 2025-09-24. Review status: criteria provided, single submitter. Criteria: GeneDx Variant Classification Process June 2021. Collection method: clinical testing. Allele origin: germline.
Comment: Not observed at significant frequency in large population cohorts (gnomAD); In silico analysis suggests that this missense variant does not alter protein structure/function; Has not been previously published as pathogenic or benign to our knowledge

NM_001099922.3(ALG13):c.3038T>C (p.Val1013Ala)

Gene: ALG13 (ALG13 UDP-N-acetylglucosaminyltransferase subunit; plus strand). Cytogenetic location: Xq23.
Variant type: single nucleotide variant.
Coding change: c.3038T>C on transcript NM_001099922.3 (MANE Select); coding-DNA position 3038, T replaced by C.
Protein change: p.Val1013Ala; replaces valine 1013 with alanine.
Molecular consequence: missense variant. On other transcripts: non-coding transcript variant (1).
Genome position (GRCh38, 1-based): chrX:111,757,652, T>C. VCF-style: chrX-111757652-T-C. GRCh37 (hg19) VCF-style: chrX-111000880-T-C.
Other names: c.2489T>C, p.Val830Ala (NM_001257230.2, NM_001257234.2, NM_001257237.2); c.2804T>C, p.Val935Ala (NM_001257231.2); c.2801T>C, p.Val934Ala (NM_001324292.2); c.2315T>C, p.Val772Ala (NM_001324293.1); short protein forms V1013A, V772A, V830A, V934A, V935A.
Identifiers: ClinVar variation 3368370 (VCV003368370.2).